The following is an entry in ClinVar:

ClinVar aggregate classification (germline): Pathogenic (1 of 4 stars; one submission).

Submission:

GeneDx
Classification: Pathogenic. Last evaluated: 2021-01-18. Review status: criteria provided, single submitter. Criteria: GeneDx Variant Classification Process June 2021. Collection method: clinical testing. Allele origin: germline. Affected: yes.
Comment: Frameshift variant predicted to result in protein truncation or nonsense mediated decay in a gene for which loss-of-function is a known mechanism of disease; Not observed in large population cohorts (Lek et al., 2016); Has not been previously published as pathogenic or benign to our knowledge

NM_001009944.3(PKD1):c.5912dup (p.Ser1972fs)

Gene: PKD1 (polycystin 1, transient receptor potential channel interacting; minus strand). Cytogenetic location: 16p13.3.
Variant type: Duplication.
Coding change: c.5912dup on transcript NM_001009944.3 (MANE Select); coding-DNA position 5912, one base duplicated (T; older notation c.5912dupT).
Protein change: p.Ser1972fs; shifts the reading frame from serine 1972.
Molecular consequence: frameshift variant.
Genome position (GRCh38, 1-based): chr16:2,109,255, A duplicated on the plus strand (T on the coding strand, the reverse complement: PKD1 is on the minus strand). VCF-style (leftmost placement, unchanged base first): chr16-2109254-C-CA. GRCh37 (hg19) VCF-style: chr16-2159255-C-CA.
Other names: c.5912dup, p.Ser1972fs (NM_000296.4); short protein forms S1972fs.
Identifiers: ClinVar variation 1182511 (VCV001182511.2), dbSNP rs2151790839, ClinGen allele CA2499223381.